The following is an entry in ClinVar:

ClinVar aggregate classification (germline): Uncertain significance. Review status: criteria provided, multiple submitters, no conflicts (2 of 4 stars). 2 submissions from 2 submitters: Uncertain significance (2). Last evaluated 2025-12-08.

Conditions:
Inborn genetic diseases. Identifiers: MedGen C0950123, MeSH D030342.
Mitochondrial hypertrophic cardiomyopathy with lactic acidosis due to MTO1 deficiency. Also called: CARDIOMYOPATHY, INFANTILE HYPERTROPHIC MITOCHONDRIAL, AND LACTIC ACIDOSIS; Combined oxidative phosphorylation deficiency 10. Identifiers: Orphanet 314637, MedGen C4749921, MONDO:0013865, OMIM 614702.

Allele frequency attached by ClinVar (database versions not stated): gnomAD 0.00002 and 0.00001; gnomAD exomes 0.00001; 1000 Genomes Project 0.00020; ExAC 0.00001; 1000 Genomes Project 30x 0.00031.
gnomAD v4.1: 16 of 1,614,140 alleles (0.00099%); highest among the groups gnomAD compares: Admixed American, 0.0067%; no homozygotes.

Submissions (2):

Ambry Genetics
Classification: Uncertain significance for Inborn genetic diseases. Last evaluated: 2025-12-08. Review status: criteria provided, single submitter. Criteria: Ambry Variant Classification Scheme 2023. Collection method: clinical testing. Allele origin: germline.

Labcorp Genetics (formerly Invitae), Labcorp
Classification: Uncertain significance for Mitochondrial hypertrophic cardiomyopathy with lactic acidosis due to MTO1 deficiency. Last evaluated: 2021-11-19. Review status: criteria provided, single submitter. Criteria: Invitae Variant Classification Sherloc (09022015). Collection method: clinical testing. Allele origin: germline.
Comment: This sequence change replaces arginine, which is basic and polar, with cysteine, which is neutral and slightly polar, at codon 434 of the MTO1 protein (p.Arg434Cys). This variant is present in population databases (rs535420006, gnomAD 0.006%). This variant has not been reported in the literature in individuals affected with MTO1-related conditions. Algorithms developed to predict the effect of missense changes on protein structure and function output the following: SIFT: "Tolerated"; PolyPhen-2: "Benign"; Align-GVGD: "Class C0". The cysteine amino acid residue is found in multiple mammalian species, which suggests that this missense change does not adversely affect protein function. In summary, the available evidence is currently insufficient to determine the role of this variant in disease. Therefore, it has been classified as a Variant of Uncertain Significance.

NM_012123.4(MTO1):c.1300C>T (p.Arg434Cys)

Gene: MTO1 (mitochondrial tRNA translation optimization 1; plus strand). Cytogenetic location: 6q13.
Variant type: single nucleotide variant.
Coding change: c.1300C>T on transcript NM_012123.4 (MANE Select); coding-DNA position 1300, C replaced by T.
Protein change: p.Arg434Cys; replaces arginine 434 with cysteine.
Molecular consequence: missense variant.
Genome position (GRCh38, 1-based): chr6:73,482,079, C>T. VCF-style: chr6-73482079-C-T. GRCh37 (hg19) VCF-style: chr6-74191802-C-T.
Other names: c.1420C>T, p.Arg474Cys (NM_001123226.2); c.1375C>T, p.Arg459Cys (NM_133645.3); c.1420C>T (NM_001123226.1); short protein forms R434C, R459C, R474C.
Identifiers: ClinVar variation 1365835 (VCV001365835.4), dbSNP rs535420006, ClinGen allele CA3889613.